The following is an entry in ClinVar:

NM_001458.5(FLNC):c.1295G>T (p.Gly432Val)

Gene: FLNC (filamin C; plus strand). Cytogenetic location: 7q32.1.
Variant type: single nucleotide variant.
Coding change: c.1295G>T on transcript NM_001458.5 (MANE Select); coding-DNA position 1295, G replaced by T.
Protein change: p.Gly432Val; replaces glycine 432 with valine.
Molecular consequence: missense variant.
Genome position (GRCh38, 1-based): chr7:128,838,687, G>T. VCF-style: chr7-128838687-G-T. GRCh37 (hg19) VCF-style: chr7-128478741-G-T.
Other names: c.1295G>T, p.Gly432Val (NM_001127487.2); short protein forms G432V.
Identifiers: ClinVar variation 654512 (VCV000654512.9), dbSNP rs750350780, ClinGen allele CA4474296.

ClinVar aggregate classification (germline): Uncertain significance (1 of 4 stars; one submission).

Conditions:
Myofibrillar myopathy 5. Also called: Filaminopathy (type); FILAMINOPATHY, AUTOSOMAL DOMINANT. Identifiers: Orphanet 171445, MedGen C1836050, MONDO:0012289, OMIM 609524.
Hypertrophic cardiomyopathy 26. Also called: Cardiomyopathy, familial hypertrophic, 26. Identifiers: Orphanet 75249, MedGen C4310749, MONDO:0014883, OMIM 617047.
Distal myopathy with posterior leg and anterior hand involvement. Also called: WILLIAMS DISTAL MYOPATHY. Identifiers: Orphanet 63273, MedGen C3279722, MONDO:0013550, OMIM 614065.

Allele frequency attached by ClinVar (database versions not stated): gnomAD exomes below 0.00001; ExAC 0.00001.
gnomAD v4.1: 2 of 1,613,046 alleles (0.00012%); highest among the groups gnomAD compares: Non-Finnish European, 0.00017%; no homozygotes.

Submission:

Labcorp Genetics (formerly Invitae), Labcorp
Classification: Uncertain significance for Distal myopathy with posterior leg and anterior hand involvement; Myofibrillar myopathy 5; Hypertrophic cardiomyopathy 26. Last evaluated: 2022-06-04. Review status: criteria provided, single submitter. Criteria: Invitae Variant Classification Sherloc (09022015). Collection method: clinical testing. Allele origin: germline.
Comment: This sequence change replaces glycine, which is neutral and non-polar, with valine, which is neutral and non-polar, at codon 432 of the FLNC protein (p.Gly432Val). This variant is present in population databases (rs750350780, gnomAD 0.0009%). This variant has not been reported in the literature in individuals affected with FLNC-related conditions. ClinVar contains an entry for this variant (Variation ID: 654512). Algorithms developed to predict the effect of missense changes on protein structure and function are either unavailable or do not agree on the potential impact of this missense change (SIFT: "Deleterious"; PolyPhen-2: "Probably Damaging"; Align-GVGD: "Class C0"). Algorithms developed to predict the effect of sequence changes on RNA splicing suggest that this variant may create or strengthen a splice site. In summary, the available evidence is currently insufficient to determine the role of this variant in disease. Therefore, it has been classified as a Variant of Uncertain Significance.